The following is an entry in ClinVar:

NM_017570.5(OPLAH):c.1331C>G (p.Pro444Arg)

Gene: OPLAH (5-oxoprolinase, ATP-hydrolysing; minus strand). Cytogenetic location: 8q24.3.
Variant type: single nucleotide variant.
Coding change: c.1331C>G on transcript NM_017570.5 (MANE Select); coding-DNA position 1331, C replaced by G.
Protein change: p.Pro444Arg; replaces proline 444 with arginine.
Molecular consequence: missense variant.
Genome position (GRCh38, 1-based): chr8:144,057,539, G>C on the plus strand (C>G on the coding strand, the complement: OPLAH is on the minus strand). VCF-style: chr8-144057539-G-C. GRCh37 (hg19) VCF-style: chr8-145112442-G-C.
Other names: short protein forms P444R.
Identifiers: ClinVar variation 4056695 (VCV004056695.1).

ClinVar aggregate classification (germline): Uncertain significance (1 of 4 stars; one submission).

Conditions:
5-Oxoprolinase deficiency (OPLAHD). Also called: 5-OXOPROLINURIA DUE TO 5-OXOPROLINASE DEFICIENCY. Identifiers: Orphanet 33572, MedGen C0268525, MONDO:0009825, OMIM 260005, HP:0040142.

Submission:

Laboratorio de Genetica e Diagnostico Molecular, Hospital Israelita Albert Einstein
Classification: Uncertain significance for 5-Oxoprolinase deficiency. Last evaluated: 2023-04-24. Review status: criteria provided, single submitter. Criteria: ACMG Guidelines, 2015. Collection method: clinical testing. Allele origin: germline. Affected: yes.
Comment: ACMG classification criteria: PM2 moderate, BP4 supporting